The following is an entry in ClinVar:

NM_006005.3(WFS1):c.417C>T (p.Arg139=)

Gene: WFS1 (wolframin ER transmembrane glycoprotein; plus strand). Cytogenetic location: 4p16.1.
Variant type: single nucleotide variant.
Coding change: c.417C>T on transcript NM_006005.3 (MANE Select); coding-DNA position 417, C replaced by T.
Protein change: p.Arg139=; no amino-acid change (arginine 139 retained).
Molecular consequence: synonymous variant.
Genome position (GRCh38, 1-based): chr4:6,289,088, C>T. VCF-style: chr4-6289088-C-T. GRCh37 (hg19) VCF-style: chr4-6290815-C-T.
Other names: c.417C>T, p.Arg139= (NM_001145853.1).
Identifiers: ClinVar variation 682544 (VCV000682544.5), dbSNP rs377209139, ClinGen allele CA2838890.

ClinVar aggregate classification (germline): Likely benign. Review status: criteria provided, multiple submitters, no conflicts (2 of 4 stars). 4 submissions from 4 submitters: Likely benign (4). Last evaluated 2025-11-06.

Conditions:
Wolfram syndrome 1 (WFS1). Identifiers: Orphanet 3463, MedGen C4551693, MONDO:0009101, OMIM 222300.

gnomAD v4.1: 16 of 1,585,518 alleles (0.001%); highest among the groups gnomAD compares: Middle Eastern, 0.017%; no homozygotes.

Submissions (4):

Labcorp Genetics (formerly Invitae), Labcorp
Classification: Likely benign. Last evaluated: 2025-11-06. Review status: criteria provided, single submitter. Criteria: Invitae Variant Classification Sherloc (09022015). Collection method: clinical testing. Allele origin: germline.

Blueprint Genetics
Classification: Likely benign. Last evaluated: 2022-05-27. Review status: criteria provided, single submitter. Criteria: ACMG Guidelines, 2015. Collection method: clinical testing. Allele origin: germline.

GeneDx
Classification: Likely benign. Last evaluated: 2021-03-16. Review status: criteria provided, single submitter. Criteria: GeneDx Variant Classification Process June 2021. Collection method: clinical testing. Allele origin: germline. Affected: yes.

Clinical Genomics, Uppaluri K&H Personalized Medicine Clinic
Classification: Likely benign for Wolfram syndrome 1. Review status: criteria provided, single submitter. Criteria: K & H Uppaluri Personalized Medicine Clinic Variant Classification & Assertion Criteria_Updated V.1. Collection method: research. Allele origin: unknown. Inheritance: Autosomal recessive inheritance.
Comment: Potent mutations in WFS1 gene are associated with Wolfram's syndrome, an autosomal recessive condition, which cause diabetes mellitus, diabetes insipidus, deafness and optic atrophy.However no sufficient evidence is found to ascertain the role of this particular variant rs377209139 in Wolfram's syndrome yet.

Literature cited by the submitters: PubMed 20738327 (cited by Clinical Genomics, Uppaluri K&H Personalized Medicine Clinic); PubMed 33879153 (cited by Clinical Genomics, Uppaluri K&H Personalized Medicine Clinic); PubMed 12955714 (cited by Clinical Genomics, Uppaluri K&H Personalized Medicine Clinic); PubMed 18060660 (cited by Clinical Genomics, Uppaluri K&H Personalized Medicine Clinic); PubMed 20301750 (cited by Clinical Genomics, Uppaluri K&H Personalized Medicine Clinic); PubMed 17603484 (cited by Clinical Genomics, Uppaluri K&H Personalized Medicine Clinic).